The following is an entry in ClinVar:

ClinVar aggregate classification (germline): Pathogenic (1 of 4 stars; one submission).

Allele frequency attached by ClinVar (database versions not stated): gnomAD exomes below 0.00001.
gnomAD v4.1: 1 of 1,614,142 alleles (0.000062%); highest among the groups gnomAD compares: Non-Finnish European, 0.000085%; no homozygotes.

Submission:

GeneDx
Classification: Pathogenic. Last evaluated: 2019-11-18. Review status: criteria provided, single submitter. Criteria: GeneDx Variant Classification Process June 2021. Collection method: clinical testing. Allele origin: germline. Affected: yes.
Comment: Has not been previously published as pathogenic or benign to our knowledge; Nonsense variant predicted to result in protein truncation or nonsense mediated decay in a gene for which loss-of-function is a known mechanism of disease; Not observed in large population cohorts (Lek et al., 2016)

NM_001322934.2(NFKB2):c.937C>T (p.Arg313Ter)

Gene: NFKB2 (nuclear factor kappa B subunit 2; plus strand). Cytogenetic location: 10q24.32.
Variant type: single nucleotide variant.
Coding change: c.937C>T on transcript NM_001322934.2 (MANE Select); coding-DNA position 937, C replaced by T.
Protein change: p.Arg313Ter; replaces arginine 313 with a stop codon.
Molecular consequence: nonsense.
Genome position (GRCh38, 1-based): chr10:102,398,469, C>T. VCF-style: chr10-102398469-C-T. GRCh37 (hg19) VCF-style: chr10-104158226-C-T.
Other names: c.937C>T, p.Arg313Ter (LRG_1347t1, NM_001077494.3, NM_001261403.3 and 3 more transcripts); short protein forms R313*.
Identifiers: ClinVar variation 620553 (VCV000620553.3), dbSNP rs1565207233, ClinGen allele CA377897870.